The following is an entry in ClinVar:

ClinVar aggregate classification (germline): Pathogenic (1 of 4 stars; one submission).

Submission:

Labcorp Genetics (formerly Invitae), Labcorp
Classification: Pathogenic. Last evaluated: 2024-02-25. Review status: criteria provided, single submitter. Criteria: Invitae Variant Classification Sherloc (09022015). Collection method: clinical testing. Allele origin: germline.
Comment: This sequence change creates a premature translational stop signal (p.Glu2185*) in the CDH23 gene. It is expected to result in an absent or disrupted protein product. Loss-of-function variants in CDH23 are known to be pathogenic (PMID: 11138009, 21940737). This variant is not present in population databases (gnomAD no frequency). This variant has not been reported in the literature in individuals affected with CDH23-related conditions. For these reasons, this variant has been classified as Pathogenic.

Literature cited by the submitters: PubMed 11138009; PubMed 21940737.

NM_022124.6(CDH23):c.6553G>T (p.Glu2185Ter)

Gene: CDH23 (cadherin related 23; plus strand). Cytogenetic location: 10q22.1.
Variant type: single nucleotide variant.
Coding change: c.6553G>T on transcript NM_022124.6 (MANE Select); coding-DNA position 6553, G replaced by T.
Protein change: p.Glu2185Ter; replaces glutamic acid 2185 with a stop codon.
Molecular consequence: nonsense.
Genome position (GRCh38, 1-based): chr10:71,793,481, G>T. VCF-style: chr10-71793481-G-T. GRCh37 (hg19) VCF-style: chr10-73553238-G-T.
Other names: short protein forms E2185*.
Identifiers: ClinVar variation 3643236 (VCV003643236.2).